The following is an entry in ClinVar:

ClinVar aggregate classification (germline): Uncertain significance (1 of 4 stars; one submission).

Conditions:
Charcot-Marie-Tooth disease type 4. Also called: Charcot-Marie-Tooth disease, type IV; Charcot-Marie-Tooth, Type 4. Identifiers: Orphanet 64749, MedGen C4082197, MONDO:0018995.

Allele frequency attached by ClinVar (database versions not stated): gnomAD exomes below 0.00001.
gnomAD v4.1: 2 of 1,612,360 alleles (0.00012%); highest among the groups gnomAD compares: Non-Finnish European, 0.00017%; no homozygotes.

Submission:

Labcorp Genetics (formerly Invitae), Labcorp
Classification: Uncertain significance for Charcot-Marie-Tooth disease type 4. Last evaluated: 2022-06-19. Review status: criteria provided, single submitter. Criteria: Invitae Variant Classification Sherloc (09022015). Collection method: clinical testing. Allele origin: germline.
Comment: This sequence change replaces isoleucine, which is neutral and non-polar, with valine, which is neutral and non-polar, at codon 132 of the SBF2 protein (p.Ile132Val). In summary, the available evidence is currently insufficient to determine the role of this variant in disease. Therefore, it has been classified as a Variant of Uncertain Significance. Algorithms developed to predict the effect of missense changes on protein structure and function output the following: SIFT: "Tolerated"; PolyPhen-2: "Benign"; Align-GVGD: "Class C0". The valine amino acid residue is found in multiple mammalian species, which suggests that this missense change does not adversely affect protein function. This variant has not been reported in the literature in individuals affected with SBF2-related conditions. This variant is not present in population databases (gnomAD no frequency).

NM_030962.4(SBF2):c.394A>G (p.Ile132Val)

Gene: SBF2 (SET binding factor 2; minus strand). Cytogenetic location: 11p15.4.
Variant type: single nucleotide variant.
Coding change: c.394A>G on transcript NM_030962.4 (MANE Select); coding-DNA position 394, A replaced by G.
Protein change: p.Ile132Val; replaces isoleucine 132 with valine.
Molecular consequence: missense variant.
Genome position (GRCh38, 1-based): chr11:10,031,056, T>C on the plus strand (A>G on the coding strand, the complement: SBF2 is on the minus strand). VCF-style: chr11-10031056-T-C. GRCh37 (hg19) VCF-style: chr11-10052603-T-C.
Other names: c.394A>G, p.Ile132Val (NM_001386339.1, NM_001386342.1); short protein forms I132V.
Identifiers: ClinVar variation 1962475 (VCV001962475.3), dbSNP rs2496386445, ClinGen allele CA379646541.
Genomic context (GRCh38, chr11:10,031,056, plus strand): 5'-AAGAGACTCACACAATAATACAAATTAATAATGATAACTATGTGTTCTTTACCCTAAAAA[T>C]TTCTGGATAATATAATCTGGATACCAACACCAGGCTTTTGGGAGCAAACACTTCTGCAGG-3'
Protein context (NP_112224.1, residues 122-142): VLVSRLYYPE[Ile132Val]FRACLGLIYT